The following is an entry in ClinVar:

ClinVar aggregate classification (germline): Uncertain significance. Review status: criteria provided, multiple submitters, no conflicts (2 of 4 stars). 2 submissions from 2 submitters: Uncertain significance (2). Last evaluated 2024-07-27.

gnomAD v4.1: 2 of 1,211,789 alleles (0.00017%); highest among the groups gnomAD compares: Admixed American, 0.0043%; no homozygotes.

Submissions (2):

Ambry Genetics
Classification: Uncertain significance. Last evaluated: 2024-07-27. Review status: criteria provided, single submitter. Criteria: Ambry Variant Classification Scheme 2023. Collection method: clinical testing. Allele origin: germline.

Labcorp Genetics (formerly Invitae), Labcorp
Classification: Uncertain significance. Last evaluated: 2023-08-04. Review status: criteria provided, single submitter. Criteria: Invitae Variant Classification Sherloc (09022015). Collection method: clinical testing. Allele origin: germline.
Comment: In summary, the available evidence is currently insufficient to determine the role of this variant in disease. Therefore, it has been classified as a Variant of Uncertain Significance. An algorithm developed to predict the effect of missense changes on protein structure and function (PolyPhen-2) suggests that this variant is likely to be disruptive. ClinVar contains an entry for this variant (Variation ID: 2024007). This variant has not been reported in the literature in individuals affected with TLR7-related conditions. This variant is present in population databases (no rsID available, gnomAD 0.004%). This sequence change replaces lysine, which is basic and polar, with methionine, which is neutral and non-polar, at codon 993 of the TLR7 protein (p.Lys993Met).

NM_016562.4(TLR7):c.2978A>T (p.Lys993Met)

Gene: TLR7 (toll like receptor 7; plus strand). Cytogenetic location: Xp22.2.
Variant type: single nucleotide variant.
Coding change: c.2978A>T on transcript NM_016562.4 (MANE Select); coding-DNA position 2978, A replaced by T.
Protein change: p.Lys993Met; replaces lysine 993 with methionine.
Molecular consequence: missense variant.
Genome position (GRCh38, 1-based): chrX:12,888,486, A>T. VCF-style: chrX-12888486-A-T. GRCh37 (hg19) VCF-style: chrX-12906605-A-T.
Other names: c.2978A>T (NM_016562.3); short protein forms K993M.
Identifiers: ClinVar variation 2024007 (VCV002024007.5), dbSNP rs758288461, ClinGen allele CA412412013.